The following is an entry in ClinVar:

NM_001267550.2(TTN):c.27713G>A (p.Trp9238Ter)

Gene: TTN (titin; minus strand). Cytogenetic location: 2q31.2.
Variant type: single nucleotide variant.
Coding change: c.27713G>A on transcript NM_001267550.2 (MANE Select); coding-DNA position 27713, G replaced by A.
Protein change: p.Trp9238Ter; replaces tryptophan 9238 with a stop codon.
Molecular consequence: nonsense. On other transcripts: intron variant (3).
Genome position (GRCh38, 1-based): chr2:178,712,117, C>T on the plus strand (G>A on the coding strand, the complement: TTN is on the minus strand). VCF-style: chr2-178712117-C-T. GRCh37 (hg19) VCF-style: chr2-179576844-C-T.
Other names: c.26762G>A, p.Trp8921Ter (NM_001256850.1); c.23981G>A, p.Trp7994Ter (NM_133378.4); c.13282+25965G>A (NM_003319.4); c.13858+25965G>A (NM_133437.4); c.13657+25965G>A (NM_133432.3); short protein forms W9238*, W7994*, W8921*.
Identifiers: ClinVar variation 2951407 (VCV002951407.4), dbSNP rs794729634, ClinGen allele CA349448818.

ClinVar aggregate classification (germline): Likely pathogenic. Review status: criteria provided, multiple submitters, no conflicts (2 of 4 stars). 2 submissions from 2 submitters: Likely pathogenic (2). Last evaluated 2025-07-24.

Conditions:
Dilated cardiomyopathy 1G (CMD1G). Identifiers: Orphanet 154, MedGen C1858763, MONDO:0011400, OMIM 604145.
Autosomal recessive limb-girdle muscular dystrophy type 2J (LGMDR10). Also called: Limb-girdle muscular dystrophy, type 2J; MUSCULAR DYSTROPHY, LIMB-GIRDLE, AUTOSOMAL RECESSIVE 10. Identifiers: Orphanet 140922, MedGen C1837342, MONDO:0012127, OMIM 608807.
Primary familial dilated cardiomyopathy (FDC). Also called: Familial dilated cardiomyopathy; Hypokinetic dilated cardiomyopathy, familial. Identifiers: Orphanet 217607, MedGen C0340427, MONDO:0016333.

Submissions (2):

Women's Health and Genetics/Laboratory Corporation of America, LabCorp
Classification: Likely pathogenic for Primary familial dilated cardiomyopathy. Last evaluated: 2025-07-24. Review status: criteria provided, single submitter. Criteria: LabCorp Variant Classification Summary - May 2015. Collection method: clinical testing. Allele origin: germline.
Comment: Variant summary: TTN c.23981G>A (p.Trp7994X; also known as NM_001267550: c.27713G>A, p.Trp9238X) results in a premature termination codon, predicted to cause a truncation of the encoded protein or absence of the protein due to nonsense mediated decay, which are commonly known mechanisms for disease. Loss of function variants in all TTN bands are strongly associated with a spectrum of autosomal recessive titinopathies when exon expression (proportion spliced in, PSI, 1=complete expression) in skeletal muscle is >0.1 (PMID: 36977548, 39198997, 29598826, 32778822, 29691892, 33449170, 36977548, internal data). In contrast, loss of function variants in all TTN bands are only strongly associated with autosomal dominant TTN-related cardiomyopathies if located in exons constitutively expressed (PSI >0.9) in cardiac muscle, excluding extreme C-terminal exons 359-363 (PMID: 25589632, 31216868, 32964742, 34662387, 27869827, Shetty et al., Nat Cardiovasc Res 2024,, internal data). This variant has a maximum skeletal muscle PSI of 0.958 and a maximum cardiac muscle PSI of 0.706. The variant was absent in 248692 control chromosomes (gnomAD). To our knowledge, no occurrence of c.23981G>A in individuals affected with TTN-related conditions and no experimental evidence demonstrating its impact on protein function have been reported. ClinVar contains an entry for this variant (Variation ID: 2951407). Based on the evidence outlined above, the variant was classified as likely pathogenic for autosomal recessive TTN-related conditions.

Labcorp Genetics (formerly Invitae), Labcorp
Classification: Likely pathogenic for Dilated cardiomyopathy 1G; Autosomal recessive limb-girdle muscular dystrophy type 2J. Last evaluated: 2024-10-18. Review status: criteria provided, single submitter. Criteria: Invitae Variant Classification Sherloc (09022015). Collection method: clinical testing. Allele origin: germline.
Comment: This sequence change creates a premature translational stop signal (p.Trp9238*) in the TTN gene. While this is not anticipated to result in nonsense mediated decay, it is expected to create a truncated TTN protein. This variant is not present in population databases (gnomAD no frequency). This variant has not been reported in the literature in individuals affected with TTN-related conditions. This variant is located in the I band of TTN (PMID: 25589632). Truncating variants in this region have been reported in individuals affected with autosomal recessive centronuclear myopathy (PMID: 23975875, internal data). Truncating variants in this region have also been identified in individuals affected with autosomal dominant dilated cardiomyopathy and/or cardio-related conditions (PMID: 27869827, 32964742, internal data). In summary, the currently available evidence indicates that the variant is pathogenic, but additional data are needed to prove that conclusively. Therefore, this variant has been classified as Likely Pathogenic.

Literature cited by the submitters: PubMed 25589632 (cited by Labcorp Genetics (formerly Invitae), Labcorp); PubMed 23975875 (cited by Labcorp Genetics (formerly Invitae), Labcorp); PubMed 27869827 (cited by Labcorp Genetics (formerly Invitae), Labcorp); PubMed 32964742 (cited by Labcorp Genetics (formerly Invitae), Labcorp).